The following is an entry in ClinVar:

NM_001252024.2(TRPM1):c.3127+1G>A

Genes: TRPM1 (transient receptor potential cation channel subfamily M member 1; minus strand), TRPM1-AS1 (TRPM1 antisense RNA 1; plus strand). Cytogenetic location: 15q13.3.
Variant type: single nucleotide variant.
Coding change: c.3127+1G>A on transcript NM_001252024.2 (MANE Select); the canonical splice donor site of the intron after coding-DNA position 3127, G replaced by A.
Molecular consequence: splice donor variant.
Genome position (GRCh38, 1-based): chr15:31,030,982, C>T on the plus strand (G>A on the coding strand, the complement: TRPM1 is on the minus strand). VCF-style: chr15-31030982-C-T. GRCh37 (hg19) VCF-style: chr15-31323185-C-T.
Other names: c.3178+1G>A (NM_001252020.2, NM_001252020.1); c.3061+1G>A (NM_002420.6).
Identifiers: ClinVar variation 1517049 (VCV001517049.14), dbSNP rs749930261, ClinGen allele CA7451988.

ClinVar aggregate classification (germline): Pathogenic/Likely pathogenic. Review status: criteria provided, multiple submitters, no conflicts (2 of 4 stars). 6 submissions from 6 submitters: Pathogenic (5); Likely pathogenic (1). Last evaluated 2026-06-22.

Conditions:
TRPM1-related disorder. Also called: TRPM1-related condition.
Retinal dystrophy. Also called: Inherited retinal dystrophy. Identifiers: Orphanet 71862, MedGen C0854723, MeSH D058499, MONDO:0019118, HP:0000556.
Congenital stationary night blindness 1C. Also called: Night blindness, congenital stationary (complete), 1C, autosomal recessive. Identifiers: Orphanet 215, MedGen C2750747, MONDO:0013183, OMIM 613216.

Allele frequency attached by ClinVar (database versions not stated): ExAC 0.00006; gnomAD exomes 0.00006 and 0.00002; TOPMed 0.00002; gnomAD 0.00003.

Submissions (6):

PreventionGenetics, part of Exact Sciences
Classification: Pathogenic for TRPM1-related condition. Last evaluated: 2026-06-22. Review status: criteria provided, single submitter. Criteria: ACMG Guidelines, 2015. Collection method: clinical testing. Allele origin: germline.
Comment: The TRPM1 c.3178+1G>A variant is predicted to disrupt the GT donor site and interfere with normal splicing. This variant can also be denoted c.3061+1G>A using transcript NM_002420.5. This variant has been reported along with a second TRPM1 variant in multiple individuals with congenital stationary night blindness or unspecified retinal disease (van Genderen et al. 2009. PubMed ID: 19896109; Bai et al. 2021. PubMed ID: 33781268; Table S1, Lin et al. 2024. PubMed ID: 38219857; Table S2, Huang et al. 2024. PubMed ID: 38448886). This variant is present in 0.065% of alleles in individuals of East Asian descent in gnomAD. Variants that disrupt the consensus splice donor site in TRPM1 are an established mechanism of disease. This variant is interpreted as pathogenic.

Labcorp Genetics (formerly Invitae), Labcorp
Classification: Pathogenic. Last evaluated: 2025-07-29. Review status: criteria provided, single submitter. Criteria: Invitae Variant Classification Sherloc (09022015). Collection method: clinical testing. Allele origin: germline.
Comment: This sequence change affects a donor splice site in intron 22 of the TRPM1 gene. It is expected to disrupt RNA splicing. Variants that disrupt the donor or acceptor splice site typically lead to a loss of protein function (PMID: 16199547), and loss-of-function variants in TRPM1 are known to be pathogenic (PMID: 19896113, 19966281, 20300565). This variant is present in population databases (rs749930261, gnomAD 0.07%). Disruption of this splice site has been observed in individuals with congenital stationary night blindness (PMID: 19896109, 33781268). This variant is also known as c.3178+1G>A. ClinVar contains an entry for this variant (Variation ID: 1517049). Algorithms developed to predict the effect of sequence changes on RNA splicing suggest that this variant may disrupt the consensus splice site. For these reasons, this variant has been classified as Pathogenic.

First Genomix Gene Laboratory, Genetic Diagnostics Department
Classification: Pathogenic for Congenital stationary night blindness 1C. Last evaluated: 2025-03-26. Review status: criteria provided, single submitter. Criteria: ACMG Guidelines, 2015. Collection method: clinical testing. Allele origin: germline. Inheritance: Autosomal recessive inheritance. Affected: no. Observed: 1 variant allele.

Blueprint Genetics
Classification: Likely pathogenic for TRPM1-related disorders. Last evaluated: 2022-02-02. Review status: criteria provided, single submitter. Criteria: ACMG Guidelines, 2015. Collection method: clinical testing. Allele origin: germline. Affected: yes. Observed: 3 variant alleles.

Institute of Human Genetics, Univ. Regensburg, Univ. Regensburg
Classification: Pathogenic for Retinal dystrophy. Last evaluated: 2018-01-01. Review status: criteria provided, single submitter. Criteria: ACMG Guidelines, 2015. Collection method: clinical testing. Allele origin: germline. Affected: yes.

Juno Genomics, Hangzhou Juno Genomics, Inc
Classification: Pathogenic for Congenital stationary night blindness 1C. Review status: criteria provided, single submitter. Criteria: ACMG Guidelines, 2015. Collection method: clinical testing. Allele origin: germline. Affected: yes.
Comment: Absent from controls (or at extremely low frequency if recessive) in Genome Aggregation Database, Exome Sequencing Project, 1000 Genomes Project, or Exome Aggregation Consortium.;Null variant in a gene where loss of function (LOF) is a known mechanism of disease.;For recessive disorders, detected in trans with a pathogenic variant.;Patient's phenotype or family history is highly specific for a disease with a single genetic etiology.

Literature cited by the submitters: PubMed 16199547 (cited by Labcorp Genetics (formerly Invitae), Labcorp); PubMed 19896113 (cited by Labcorp Genetics (formerly Invitae), Labcorp); PubMed 19966281 (cited by Labcorp Genetics (formerly Invitae), Labcorp); PubMed 20300565 (cited by Labcorp Genetics (formerly Invitae), Labcorp); PubMed 19896109 (cited by Labcorp Genetics (formerly Invitae), Labcorp and Institute of Human Genetics, Univ. Regensburg, Univ. Regensburg); PubMed 33781268 (cited by Labcorp Genetics (formerly Invitae), Labcorp); PubMed 3378126 (cited by Institute of Human Genetics, Univ. Regensburg, Univ. Regensburg).